The following is an entry in ClinVar:

ClinVar aggregate classification (germline): Pathogenic/Likely pathogenic. Review status: criteria provided, multiple submitters, no conflicts (2 of 4 stars). 26 submissions from 26 submitters: Pathogenic (21); Likely pathogenic (4). 1 of the submissions does not count toward it. Last evaluated 2026-05-28.

Conditions:
ATP7B-related disorder. Also called: ATP7B-related condition.
Inborn genetic diseases. Identifiers: MedGen C0950123, MeSH D030342.
Wilson disease (WND). Also called: Wilson's disease. Identifiers: Orphanet 905, MedGen C0019202, MONDO:0010200, OMIM 277900. Disease mechanism: loss of function.

Allele frequency attached by ClinVar (database versions not stated): gnomAD 0.00037 and 0.00041; ExAC 0.00051; gnomAD exomes 0.00052; TOPMed 0.00052; 1000 Genomes Project 30x 0.00016; 1000 Genomes Project 0.00020.
gnomAD v4.1: 359 of 1,613,818 alleles (0.022%); highest among the groups gnomAD compares: Admixed American, 0.24%; no homozygotes.

Submissions 1 to 7 of 26:

PreventionGenetics, part of Exact Sciences
Classification: Pathogenic for ATP7B-related condition. Last evaluated: 2026-05-28. Review status: criteria provided, single submitter. Criteria: ACMG Guidelines, 2015. Collection method: clinical testing. Allele origin: germline.
Comment: The ATP7B c.1934T>G variant is predicted to result in the amino acid substitution p.Met645Arg. This variant has been reported in the homozygous or compound heterozygous state in several individuals with Wilson disease (see for example Shah et al. 1997. PubMed ID: 9311736; Kalinsky et al.1998. PubMed ID: 9482578; Loudianos et al. 1998. PubMed ID: 9671269). Experimental studies of the effect of this variant on ATP7B transport activity are conflicting. One study observed a decrease in copper transport in lymphoblast cell lines from patients homozygous for c.1934T>G (Shah et al. 1997. PubMed ID: 9311736). In contrast, this variant apparently had no effect on transporter activity when heterologously expressed in a model insect cell line (Huster et al. 2012. PubMed ID: 22240481). Based on the collective information, particularly that from the affected individuals, we interpret the c.1934T>G variant to be pathogenic.

Institute of Human Genetics, University of Leipzig Medical Center
Classification: Pathogenic for Wilson disease. Last evaluated: 2026-02-18. Review status: criteria provided, single submitter. Criteria: ACMG Guidelines, 2015. Collection method: clinical testing. Allele origin: maternal. Inheritance: Autosomal recessive inheritance. Affected: yes.
Comment: Criteria applied: PS4,PM3_STR,PS3_SUP,PP3

Labcorp Genetics (formerly Invitae), Labcorp
Classification: Pathogenic for Wilson disease. Last evaluated: 2026-02-02. Review status: criteria provided, single submitter. Criteria: Invitae Variant Classification Sherloc (09022015). Collection method: clinical testing. Allele origin: germline.
Comment: This sequence change replaces methionine, which is neutral and non-polar, with arginine, which is basic and polar, at codon 645 of the ATP7B protein (p.Met645Arg). This variant is present in population databases (rs121907998, gnomAD 0.2%), and has an allele count higher than expected for a pathogenic variant. This missense change has been observed in individual(s) with Wilson disease (PMID: 9311736, 9482578, 9671269, 11093740, 15952988, 19118915, 21832955). In at least one individual the data is consistent with being in trans (on the opposite chromosome) from a pathogenic variant. It has also been observed to segregate with disease in related individuals. ClinVar contains an entry for this variant (Variation ID: 3862). Invitae Evidence Modeling of protein sequence and biophysical properties (such as structural, functional, and spatial information, amino acid conservation, physicochemical variation, residue mobility, and thermodynamic stability) indicates that this missense variant is not expected to disrupt ATP7B protein function with a negative predictive value of 80%. Experimental studies are conflicting or provide insufficient evidence to determine the effect of this variant on ATP7B function (PMID: 9311736, 22240481). Algorithms developed to predict the effect of sequence changes on RNA splicing suggest that this variant may disrupt the consensus splice site. For these reasons, this variant has been classified as Pathogenic.

Natera, Inc.
Classification: Pathogenic for Wilson disease. Last evaluated: 2025-12-29. Review status: criteria provided, single submitter. Criteria: Natera Variant Classification Schema (03/2026). Collection method: clinical testing. Allele origin: germline.
Comment: The c.1934T>G variant in ATP7B is a missense variant predicted to cause substitution of methionine to arginine at amino acid 645. This variant is rare in the general population with a frequency below the threshold expected for the associated phenotype(s). This variant has been observed in one or more individuals affected with the associated recessive disease, as either homozygous or compound heterozygous with a second variant (PMID: 32043565). Additionally, this variant has been observed to segregate in affected family members (PMID: 32043565). Given the available evidence, this variant is classified as Pathogenic.

Color Diagnostics, LLC DBA Color Health
Classification: Pathogenic for Wilson disease. Last evaluated: 2025-11-17. Review status: criteria provided, single submitter. Criteria: ACMG Guidelines, 2015. Collection method: clinical testing. Allele origin: germline.
Comment: This missense variant replaces methionine with arginine at codon 645 of the ATP7B protein. Computational prediction suggests that this variant may not impact protein structure and function. This variant has shown to cause almost complete, out-of-frame skipping of exon 6 in mini-gene RNA assays using four different cell lines (PMID: 32284880). In compound heterozygous or homozygous HepG2 cell lines that were edited for this c.1934T>C variant using CRISPR/Cas9 technology, the amount of full length transcript was reduced by more than 70%, consistent with significantly reduced ATP7B protein expression in these cells (PMID: 32284880). This variant has been reported in over 50 individuals affected with Wilson disease (PMID: 9311736, 9482578, 9671279, 15024742, 15952988, 17300695, 17433323, 17949296, 19118915, 21832955, 22484412, 23518715, 23962630, 24706876, 32043565, 33159804). In over 30 of these individuals, this variant was confirmed to be in the compound heterozygous or homozygous state (PMID: 9482578, 15024742, 15952988, 19118915, 22484412, 23518715, 23962630, 33159804). This variant is highly prevalent among Wilson disease patients of Spanish descent and has been observed in 55% of Spanish individuals with Wilson disease (PMID: 15952988). This variant has been identified in 359/1613818 chromosomes in the general population by the Genome Aggregation Database (gnomAD). Loss of ATP7B function is a known mechanism of disease. Based on the available evidence, this variant is classified as Pathogenic.

First Genomix Gene Laboratory, Genetic Diagnostics Department
Classification: Pathogenic for Wilson disease. Last evaluated: 2025-06-02. Review status: criteria provided, single submitter. Criteria: ACMG Guidelines, 2015. Collection method: clinical testing. Allele origin: germline. Inheritance: Autosomal recessive inheritance. Affected: no. Observed: 1 variant allele.

ARUP Laboratories, Molecular Genetics and Genomics, ARUP Laboratories
Classification: Pathogenic for Wilson disease. Last evaluated: 2025-03-24. Review status: criteria provided, single submitter. Criteria: ARUP Molecular Germline Variant Investigation Process 2024. Collection method: clinical testing. Allele origin: germline.
Comment: The ATP7B c.1934T>G; p.Met645Arg variant (rs121907998, ClinVar Variation ID: 3862) has been reported in numerous individuals with Wilson disease who were compound heterozygous with another pathogenic variant (Coffey 2013, Deguti 2004, Garcia-Villarreal 2000, Kalinsky 1998, Loudianos 1998, Margarit 2005, Shah 1997). One study of a Spanish Wilson disease cohort observed this variant in 55% of affected individuals (Margarit 2005). This variant is found in the general population with an overall allele frequency of 0.05% (133/280976 alleles) in the Genome Aggregation Database (v2.1.1). Functional studies show the variant protein becomes hyperphosphorylated but otherwise has similar copper uptake activity as wild type ATP7B protein (Braiterman 2014, Huster 2012); therefore, the disease-causing mechanism of this variant is unclear. However, based on available information, including its prevalence in affected individuals, the p.Met645Arg variant is considered pathogenic. References: Braiterman LT et al. Distinct phenotype of a Wilson disease mutation reveals a novel trafficking determinant in the copper transporter ATP7B. Proc Natl Acad Sci U S A. 2014 Apr 8;111(14):E1364-73. PMID: 24706876. Coffey AJ et al. A genetic study of Wilson's disease in the United Kingdom. Brain. 2013 May;136(Pt 5):1476-87. PMID: 23518715. Deguti MM et al. Wilson disease: novel mutations in the ATP7B gene and clinical correlation in Brazilian patients. Hum Mutat. 2004 Apr;23(4):398. PMID: 15024742. Garcia-Villarreal L et al. High prevalence of the very rare Wilson disease gene mutation Leu708Pro in the Island of Gran Canaria (Canary Islands, Spain): a genetic and clinical study. Hepatology. 2000 Dec;32(6):1329-36. PMID: 11093740. Huster D et al. Diverse functional properties of Wilson disease ATP7B variants. Gastroenterology. 2012 Apr;142(4):947-956.e5. PMID: 22240481. Kalinsky H et al. Novel ATP7B mutations causing Wilson disease in several Israeli ethnic groups. Hum Mutat. 1998;11(2):145-51. PMID: 9482578. Loudianos G et al. Further delineation of the molecular pathology of Wilson disease in the Mediterranean population. Hum Mutat. 1998;12(2):89-94. PMID: 9671269. Margarit E et al. Mutation analysis of Wilson disease in the Spanish population -- identification of a prevalent substitution and eight novel mutations in the ATP7B gene. Clin Genet. 2005 Jul;68(1):61-8. PMID: 15952988. Shah AB et al. Identification and analysis of mutations in the Wilson disease gene (ATP7B): population frequencies, genotype-phenotype correlation, and functional analyses. Am J Hum Genet. 1997 Aug;61(2):317-28. PMID: 9311736.

NM_000053.4(ATP7B):c.1934T>G (p.Met645Arg)

Gene: ATP7B (ATPase copper transporting beta; minus strand). Cytogenetic location: 13q14.3.
Variant type: single nucleotide variant.
Coding change: c.1934T>G on transcript NM_000053.4 (MANE Select); coding-DNA position 1934, T replaced by G.
Protein change: p.Met645Arg; replaces methionine 645 with arginine.
Molecular consequence: missense variant. On other transcripts: intron variant (2).
Genome position (GRCh38, 1-based): chr13:51,961,849, A>C on the plus strand (T>G on the coding strand, the complement: ATP7B is on the minus strand). VCF-style: chr13-51961849-A-C. GRCh37 (hg19) VCF-style: chr13-52535985-A-C.
Other names: NM_000053.3(ATP7B):c.1934T>G(p.Met645Arg); NM_001243182.1(ATP7B):c.1601T>G(p.Met534Arg); c.1601T>G, p.Met534Arg (NM_001243182.2); c.1934T>G, p.Met645Arg (NM_001330578.2); c.1869+3023T>G (NM_001005918.3, NM_001330579.2); short protein forms M645R, M534R.
Identifiers: ClinVar variation 3862 (VCV000003862.70), dbSNP rs121907998, ClinGen allele CA252899.